The following is an entry in ClinVar:

ClinVar aggregate classification (germline): Pathogenic (1 of 4 stars; one submission).

Conditions:
Hereditary nonpolyposis colorectal neoplasms. Identifiers: MedGen C0009405, MeSH D003123.

Submission:

Labcorp Genetics (formerly Invitae), Labcorp
Classification: Pathogenic for Hereditary nonpolyposis colorectal neoplasms. Last evaluated: 2024-04-15. Review status: criteria provided, single submitter. Criteria: Invitae Variant Classification Sherloc (09022015). Collection method: clinical testing. Allele origin: germline.
Comment: This sequence change creates a premature translational stop signal (p.Lys125Metfs*8) in the MSH6 gene. It is expected to result in an absent or disrupted protein product. Loss-of-function variants in MSH6 are known to be pathogenic (PMID: 18269114, 24362816). This variant is not present in population databases (gnomAD no frequency). This variant has not been reported in the literature in individuals affected with MSH6-related conditions. For these reasons, this variant has been classified as Pathogenic.

Literature cited by the submitters: PubMed 18269114; PubMed 24362816.

NM_000179.3(MSH6):c.374_382delinsT (p.Lys125fs)

Gene: MSH6 (mutS homolog 6; plus strand). Cytogenetic location: 2p16.3.
Variant type: Indel.
Coding change: c.374_382delinsT on transcript NM_000179.3 (MANE Select); coding-DNA positions 374 to 382, AATCAGTCC replaced by T.
Protein change: p.Lys125fs; shifts the reading frame from lysine 125.
Molecular consequence: frameshift variant. On other transcripts: 5 prime UTR variant (2), intron variant (1).
Genome position (GRCh38, 1-based): chr2:47,791,040-47,791,048, AATCAGTCC replaced by T. VCF-style: chr2-47791040-AATCAGTCC-T. GRCh37 (hg19) VCF-style: chr2-48018179-AATCAGTCC-T.
Other names: c.-363_-355delinsT (NM_001281493.2); c.-529_-521delinsT (NM_001281494.2); c.237+7570_238-7563delinsT (NM_001281492.2); short protein forms K125fs.
Identifiers: ClinVar variation 525845 (VCV000525845.6), dbSNP rs1553410300, ClinGen allele CA658795741.